The following is an entry in ClinVar:

ClinVar aggregate classification (germline): Uncertain significance (1 of 4 stars; one submission).

Conditions:
Immunodeficiency 104. Also called: Severe combined immunodeficiency, autosomal recessive, T cell-negative, B cell-positive, NK cell-positive; SCID, AUTOSOMAL RECESSIVE, T CELL-NEGATIVE, B CELL-POSITIVE, NK CELL-POSITIVE; Severe Combined Immune Deficiency, Autosomal Recessive, TCell -Negative, B Cell-Positive, NK Cell-Positive, IL7R-Related; IMMUNODEFICIENCY 104, SEVERE COMBINED. Identifiers: MedGen C5676890, MONDO:0012163, OMIM 608971.

Allele frequency attached by ClinVar (database versions not stated): ExAC 0.00003; gnomAD exomes 0.00003 and 0.00004; TOPMed 0.00003; gnomAD 0.00005; ESP Exome Variant Server 0.00008.
gnomAD v4.1: 63 of 1,604,898 alleles (0.0039%); highest among the groups gnomAD compares: Non-Finnish European, 0.0052%; no homozygotes.

Submission:

Labcorp Genetics (formerly Invitae), Labcorp
Classification: Uncertain significance for Immunodeficiency 104. Last evaluated: 2022-05-10. Review status: criteria provided, single submitter. Criteria: Invitae Variant Classification Sherloc (09022015). Collection method: clinical testing. Allele origin: germline.
Comment: This sequence change replaces proline, which is neutral and non-polar, with alanine, which is neutral and non-polar, at codon 927 of the PTPRC protein (p.Pro927Ala). This variant is present in population databases (rs376357337, gnomAD 0.01%). This variant has not been reported in the literature in individuals affected with PTPRC-related conditions. ClinVar contains an entry for this variant (Variation ID: 533057). Algorithms developed to predict the effect of missense changes on protein structure and function (SIFT, PolyPhen-2, Align-GVGD) all suggest that this variant is likely to be tolerated. In summary, the available evidence is currently insufficient to determine the role of this variant in disease. Therefore, it has been classified as a Variant of Uncertain Significance.

NM_002838.5(PTPRC):c.2779C>G (p.Pro927Ala)

Gene: PTPRC (protein tyrosine phosphatase receptor type C; plus strand). Cytogenetic location: 1q32.1.
Variant type: single nucleotide variant.
Coding change: c.2779C>G on transcript NM_002838.5 (MANE Select); coding-DNA position 2779, C replaced by G.
Protein change: p.Pro927Ala; replaces proline 927 with alanine.
Molecular consequence: missense variant.
Genome position (GRCh38, 1-based): chr1:198,744,135, C>G. VCF-style: chr1-198744135-C-G. GRCh37 (hg19) VCF-style: chr1-198713264-C-G.
Other names: c.2296C>G, p.Pro766Ala (NM_080921.4); short protein forms P927A, P766A.
Identifiers: ClinVar variation 533057 (VCV000533057.7), dbSNP rs376357337, ClinGen allele CA1315236.